The following is an entry in ClinVar:

NM_004525.3(LRP2):c.3907_3909del (p.Lys1303del)

Gene: LRP2 (LDL receptor related protein 2; minus strand). Cytogenetic location: 2q31.1.
Variant type: Deletion.
Coding change: c.3907_3909del on transcript NM_004525.3 (MANE Select); coding-DNA positions 3907 to 3909, 3 bases deleted (AAG; older notation c.3907_3909delAAG).
Protein change: p.Lys1303del; deletes lysine 1303.
Molecular consequence: inframe deletion.
Genome position (GRCh38, 1-based): chr2:169,241,124-169,241,126, CTT deleted on the plus strand (AAG on the coding strand, the reverse complement: LRP2 is on the minus strand); deleting any 3 consecutive bases within chr2:169,241,124-169,241,128 gives the same sequence; the c. name uses the placement nearest the transcript's 3' end. VCF-style (leftmost placement, unchanged base first): chr2-169241123-CCTT-C. GRCh37 (hg19) VCF-style: chr2-170097633-CCTT-C.
Other names: short protein forms K1303del.
Identifiers: ClinVar variation 1495008 (VCV001495008.9), dbSNP rs773732182, ClinGen allele CA1954918.

ClinVar aggregate classification (germline): Uncertain significance. Review status: criteria provided, multiple submitters, no conflicts (2 of 4 stars). 2 submissions from 2 submitters: Uncertain significance (2). Last evaluated 2026-04-14.

Conditions:
Donnai-Barrow syndrome. Also called: DBS/FOAR SYNDROME; FACIOOCULOACOUSTICORENAL SYNDROME. Identifiers: Orphanet 2143, MedGen C1857277, MONDO:0009104, OMIM 222448.

Submissions (2):

Myriad Genetics, Inc.
Classification: Uncertain significance for Donnai-Barrow syndrome. Last evaluated: 2026-04-14. Review status: criteria provided, single submitter. Criteria: Myriad Autosomal Dominant, Autosomal Recessive and X-Linked Classification Criteria (2023). Collection method: clinical testing. Allele origin: unknown.
Comment: NM_004525.2(LRP2):c.3907_3909delAAG(K1303del) is an in-frame deletion classified as a variant of uncertain significance in the context of Donnai-Barrow syndrome. K1303del has not been observed in cases with relevant disease. Relevant functional assessments of this variant are not available in the literature. K1303del has been observed in referenced population frequency databases. In summary, there is insufficient evidence to classify NM_004525.2(LRP2):c.3907_3909delAAG(K1303del) as pathogenic or benign. Please note: this variant was assessed in the context of healthy population screening.

Labcorp Genetics (formerly Invitae), Labcorp
Classification: Uncertain significance. Last evaluated: 2020-11-06. Review status: criteria provided, single submitter. Criteria: Invitae Variant Classification Sherloc (09022015). Collection method: clinical testing. Allele origin: germline.
Comment: In summary, the available evidence is currently insufficient to determine the role of this variant in disease. Therefore, it has been classified as a Variant of Uncertain Significance. Experimental studies and prediction algorithms are not available or were not evaluated, and the functional significance of this variant is currently unknown. This variant has not been reported in the literature in individuals with LRP2-related conditions. The frequency data for this variant in the population databases is considered unreliable, as metrics indicate poor data quality at this position in the ExAC database. This variant, c.3907_3909del, results in the deletion of 1 amino acid(s) of the LRP2 protein (p.Lys1303del), but otherwise preserves the integrity of the reading frame.